The following is an entry in ClinVar:

NM_001134831.2(AHI1):c.308del (p.Asn103fs)

Gene: AHI1 (Abelson helper integration site 1; minus strand). Cytogenetic location: 6q23.3.
Variant type: Deletion.
Coding change: c.308del on transcript NM_001134831.2 (MANE Select); coding-DNA position 308, one base deleted (A; older notation c.308delA).
Protein change: p.Asn103fs; shifts the reading frame from asparagine 103.
Molecular consequence: frameshift variant.
Genome position (GRCh38, 1-based): chr6:135,466,255, T deleted on the plus strand (A on the coding strand, the reverse complement: AHI1 is on the minus strand); the first of 2 consecutive T bases (chr6:135,466,255-135,466,256); deleting either gives the same sequence. VCF-style (leftmost placement, unchanged base first): chr6-135466254-GT-G. GRCh37 (hg19) VCF-style: chr6-135787392-GT-G.
Other names: c.308del, p.Asn103fs (NM_001134832.2, NM_001350503.2, NM_001350504.2 and 2 more transcripts); short protein forms N103fs.
Identifiers: ClinVar variation 2717511 (VCV002717511.3), dbSNP rs2485021896, ClinGen allele CA2697553758.

ClinVar aggregate classification (germline): Pathogenic (1 of 4 stars; one submission).

Conditions:
Joubert syndrome. Also called: CEREBELLOPARENCHYMAL DISORDER IV; JOUBERT-BOLTSHAUSER SYNDROME; Familial aplasia of the vermis. Identifiers: Orphanet 475, MedGen C5979921, MONDO:0018772.

Submission:

Labcorp Genetics (formerly Invitae), Labcorp
Classification: Pathogenic for Joubert syndrome. Last evaluated: 2023-06-16. Review status: criteria provided, single submitter. Criteria: Invitae Variant Classification Sherloc (09022015). Collection method: clinical testing. Allele origin: germline.
Comment: This sequence change creates a premature translational stop signal (p.Asn103Thrfs*4) in the AHI1 gene. It is expected to result in an absent or disrupted protein product. Loss-of-function variants in AHI1 are known to be pathogenic (PMID: 15322546, 16453322, 28442542, 29186038). This variant is not present in population databases (gnomAD no frequency). This variant has not been reported in the literature in individuals affected with AHI1-related conditions. For these reasons, this variant has been classified as Pathogenic.

Literature cited by the submitters: PubMed 15322546; PubMed 16453322; PubMed 28442542; PubMed 29186038.